The following is an entry in ClinVar:

NM_001004334.4(GPR179):c.181G>T (p.Ala61Ser)

Gene: GPR179 (G protein-coupled receptor 179; minus strand). Cytogenetic location: 17q12.
Variant type: single nucleotide variant.
Coding change: c.181G>T on transcript NM_001004334.4 (MANE Select); coding-DNA position 181, G replaced by T.
Protein change: p.Ala61Ser; replaces alanine 61 with serine.
Molecular consequence: missense variant.
Genome position (GRCh38, 1-based): chr17:38,343,609, C>A on the plus strand (G>T on the coding strand, the complement: GPR179 is on the minus strand). VCF-style: chr17-38343609-C-A. GRCh37 (hg19) VCF-style: chr17-36499492-C-A.
Other names: c.181G>T (NM_001004334.2); short protein forms A61S.
Identifiers: ClinVar variation 1464455 (VCV001464455.7), dbSNP rs746508651, ClinGen allele CA290111886.

ClinVar aggregate classification (germline): Uncertain significance. Review status: criteria provided, multiple submitters, no conflicts (2 of 4 stars). 2 submissions from 2 submitters: Uncertain significance (2). Last evaluated 2025-03-10.

Conditions:
Inborn genetic diseases. Identifiers: MedGen C0950123, MeSH D030342.

gnomAD v4.1: 5 of 1,613,656 alleles (0.00031%); highest among the groups gnomAD compares: African/African-American, 0.004%; no homozygotes.

Submissions (2):

Ambry Genetics
Classification: Uncertain significance for Inborn genetic diseases. Last evaluated: 2025-03-10. Review status: criteria provided, single submitter. Criteria: Ambry Variant Classification Scheme 2023. Collection method: clinical testing. Allele origin: germline.

Labcorp Genetics (formerly Invitae), Labcorp
Classification: Uncertain significance. Last evaluated: 2022-11-01. Review status: criteria provided, single submitter. Criteria: Invitae Variant Classification Sherloc (09022015). Collection method: clinical testing. Allele origin: germline.
Comment: Algorithms developed to predict the effect of missense changes on protein structure and function are either unavailable or do not agree on the potential impact of this missense change (SIFT: "Tolerated"; PolyPhen-2: "Possibly Damaging"; Align-GVGD: "Class C0"). In summary, the available evidence is currently insufficient to determine the role of this variant in disease. Therefore, it has been classified as a Variant of Uncertain Significance. ClinVar contains an entry for this variant (Variation ID: 1464455). This variant has not been reported in the literature in individuals affected with GPR179-related conditions. This variant is not present in population databases (gnomAD no frequency). This sequence change replaces alanine, which is neutral and non-polar, with serine, which is neutral and polar, at codon 61 of the GPR179 protein (p.Ala61Ser).